The following is an entry in ClinVar:

ClinVar aggregate classification (germline): Uncertain significance. Review status: criteria provided, multiple submitters, no conflicts (2 of 4 stars). 2 submissions from 2 submitters: Uncertain significance (2). Last evaluated 2025-06-10.

Allele frequency attached by ClinVar (database versions not stated): ExAC 0.00001; gnomAD 0.00001; gnomAD exomes 0.00001; TOPMed 0.00001.

Submissions (2):

Ambry Genetics
Classification: Uncertain significance. Last evaluated: 2025-06-10. Review status: criteria provided, single submitter. Criteria: Ambry Variant Classification Scheme 2023. Collection method: clinical testing. Allele origin: germline.

Labcorp Genetics (formerly Invitae), Labcorp
Classification: Uncertain significance. Last evaluated: 2024-10-22. Review status: criteria provided, single submitter. Criteria: Invitae Variant Classification Sherloc (09022015). Collection method: clinical testing. Allele origin: germline.
Comment: This sequence change replaces methionine, which is neutral and non-polar, with valine, which is neutral and non-polar, at codon 108 of the CLUAP1 protein (p.Met108Val). This variant is present in population databases (rs745581964, gnomAD 0.003%). This variant has not been reported in the literature in individuals affected with CLUAP1-related conditions. ClinVar contains an entry for this variant (Variation ID: 1379670). Invitae Evidence Modeling of protein sequence and biophysical properties (such as structural, functional, and spatial information, amino acid conservation, physicochemical variation, residue mobility, and thermodynamic stability) indicates that this missense variant is not expected to disrupt CLUAP1 protein function with a negative predictive value of 80%. In summary, the available evidence is currently insufficient to determine the role of this variant in disease. Therefore, it has been classified as a Variant of Uncertain Significance.

NM_015041.3(CLUAP1):c.322A>G (p.Met108Val)

Gene: CLUAP1 (clusterin associated protein 1; plus strand). Cytogenetic location: 16p13.3.
Variant type: single nucleotide variant.
Coding change: c.322A>G on transcript NM_015041.3 (MANE Select); coding-DNA position 322, A replaced by G.
Protein change: p.Met108Val; replaces methionine 108 with valine.
Molecular consequence: missense variant.
Genome position (GRCh38, 1-based): chr16:3,508,391, A>G. VCF-style: chr16-3508391-A-G. GRCh37 (hg19) VCF-style: chr16-3558391-A-G.
Other names: c.322A>G, p.Met108Val (NM_001330454.2); c.322A>G (NM_015041.1); short protein forms M108V.
Identifiers: ClinVar variation 1379670 (VCV001379670.7), dbSNP rs745581964, ClinGen allele CA7863683.